The following is an entry in ClinVar:

NM_022356.4(P3H1):c.2056-90C>A

Gene: P3H1 (prolyl 3-hydroxylase 1; minus strand). Cytogenetic location: 1p34.2.
Variant type: single nucleotide variant.
Coding change: c.2056-90C>A on transcript NM_022356.4 (MANE Select); 90 bases into the intron before coding-DNA position 2056, C replaced by A.
Molecular consequence: intron variant. On other transcripts: missense variant (1).
Genome position (GRCh38, 1-based): chr1:42,746,942, G>T on the plus strand (C>A on the coding strand, the complement: P3H1 is on the minus strand). VCF-style: chr1-42746942-G-T. GRCh37 (hg19) VCF-style: chr1-43212613-G-T.
Other names: c.2385C>A, p.Asn795Lys (NM_001243246.2); c.2075-90C>A (NM_001146289.2); short protein forms N795K.
Identifiers: ClinVar variation 3766740 (VCV003766740.1).

ClinVar aggregate classification (germline): Uncertain significance (1 of 4 stars; one submission).

Conditions:
Osteogenesis imperfecta type 8 (OI8). Identifiers: MedGen C1970458, MONDO:0012581, OMIM 610915.

gnomAD v4.1: 119 of 1,614,158 alleles (0.0074%); highest among the groups gnomAD compares: African/African-American, 0.13%; no homozygotes.

Submission:

ARUP Laboratories, Molecular Genetics and Genomics, ARUP Laboratories
Classification: Uncertain significance for Osteogenesis imperfecta type 8. Last evaluated: 2024-07-23. Review status: criteria provided, single submitter. Criteria: ARUP Molecular Germline Variant Investigation Process 2024. Collection method: clinical testing. Allele origin: germline.
Comment: The P3H1 c.2056-90C>A variant (AKA: c.2385C>A; p.Asn795Lys on transcript NM_001243246.2; rs146531186), to our knowledge, is not reported in the medical literature or gene specific databases. This variant is found in the African/African-American population with an allele frequency of 0.13% (32/24964 alleles) in the Genome Aggregation Database (v2.1.1). Computational analyses predict that this variant does not alter splicing, and is the impact of the substituted lysine neutral (REVEL: 0.136). However, given the lack of clinical and functional data, the significance of this variant is uncertain at this time.